The following is an entry in ClinVar:

ClinVar aggregate classification (germline): Uncertain significance (1 of 4 stars; one submission).

Conditions:
Familial adenomatous polyposis 1 (FAP1). Also called: POLYPOSIS, ADENOMATOUS INTESTINAL; FAMILIAL ADENOMATOUS POLYPOSIS 1, ATTENUATED. Identifiers: MedGen C2713442, MONDO:0021056, OMIM 175100. Disease mechanism: loss of function.

Submission:

Labcorp Genetics (formerly Invitae), Labcorp
Classification: Uncertain significance for Familial adenomatous polyposis 1. Last evaluated: 2023-09-01. Review status: criteria provided, single submitter. Criteria: Invitae Variant Classification Sherloc (09022015). Collection method: clinical testing. Allele origin: germline.
Comment: This sequence change replaces methionine, which is neutral and non-polar, with isoleucine, which is neutral and non-polar, at codon 730 of the APC protein (p.Met730Ile). This variant is not present in population databases (gnomAD no frequency). This variant has not been reported in the literature in individuals affected with APC-related conditions. Advanced modeling of protein sequence and biophysical properties (such as structural, functional, and spatial information, amino acid conservation, physicochemical variation, residue mobility, and thermodynamic stability) performed at Invitae indicates that this missense variant is not expected to disrupt APC protein function. In summary, the available evidence is currently insufficient to determine the role of this variant in disease. Therefore, it has been classified as a Variant of Uncertain Significance.

NM_000038.6(APC):c.2190G>T (p.Met730Ile)

Gene: APC (APC regulator of Wnt signaling pathway; plus strand). Cytogenetic location: 5q22.2.
Variant type: single nucleotide variant.
Coding change: c.2190G>T on transcript NM_000038.6 (MANE Select); coding-DNA position 2190, G replaced by T.
Protein change: p.Met730Ile; replaces methionine 730 with isoleucine.
Molecular consequence: missense variant. On other transcripts: non-coding transcript variant (2).
Genome position (GRCh38, 1-based): chr5:112,837,784, G>T. VCF-style: chr5-112837784-G-T. GRCh37 (hg19) VCF-style: chr5-112173481-G-T.
Other names: c.2190G>T, p.Met730Ile (NM_001127510.3, NM_001354895.2, NM_001407450.1); c.2136G>T, p.Met712Ile (NM_001127511.3); c.2244G>T, p.Met748Ile (NM_001354896.2, NM_001407447.1, NM_001407448.1 and 1 more transcripts); c.2220G>T, p.Met740Ile (NM_001354897.2); c.2115G>T, p.Met705Ile (NM_001354898.2); c.2106G>T, p.Met702Ile (NM_001354899.2); c.2067G>T, p.Met689Ile (NM_001354900.2); c.2013G>T, p.Met671Ile (NM_001354901.2, NM_001407453.1); and 11 more; short protein forms M601I, M629I, M671I, M712I, M758I, M346I, M604I, M639I.
Identifiers: ClinVar variation 2822242 (VCV002822242.3), dbSNP rs1281171015, ClinGen allele CA16026131.